The following is an entry in ClinVar:

ClinVar aggregate classification (germline): Benign/Likely benign. Review status: criteria provided, multiple submitters, no conflicts (2 of 4 stars). 2 submissions from 2 submitters: Benign (1); Likely benign (1). Last evaluated 2026-08-19.

Conditions:
DICER1-related tumor predisposition. Also called: DICER1-related pleuropulmonary blastoma cancer predisposition syndrome; DICER1 syndrome. Identifiers: Orphanet 284343, MedGen C3839822, MONDO:0100216.

Submissions (2):

Myriad Genetics, Inc.
Classification: Benign for DICER1-related tumor predisposition. Last evaluated: 2026-08-19. Review status: criteria provided, single submitter. Criteria: Myriad Autosomal Dominant, Autosomal Recessive and X-Linked Classification Criteria (2023). Collection method: clinical testing. Allele origin: unknown.
Comment: This variant is considered benign. This variant is a silent/synonymous amino acid change and it is not expected to impact splicing.

Labcorp Genetics (formerly Invitae), Labcorp
Classification: Likely benign for DICER1-related tumor predisposition. Last evaluated: 2021-08-12. Review status: criteria provided, single submitter. Criteria: Invitae Variant Classification Sherloc (09022015). Collection method: clinical testing. Allele origin: germline.

NM_177438.3(DICER1):c.1026G>A (p.Arg342=)

Gene: DICER1 (dicer 1, ribonuclease III; minus strand). Cytogenetic location: 14q32.13.
Variant type: single nucleotide variant.
Coding change: c.1026G>A on transcript NM_177438.3 (MANE Select); coding-DNA position 1026, G replaced by A.
Protein change: p.Arg342=; no amino-acid change (arginine 342 retained).
Molecular consequence: synonymous variant.
Genome position (GRCh38, 1-based): chr14:95,124,546, C>T on the plus strand (G>A on the coding strand, the complement: DICER1 is on the minus strand). VCF-style: chr14-95124546-C-T. GRCh37 (hg19) VCF-style: chr14-95590883-C-T.
Other names: c.1026G>A, p.Arg342= (NM_001195573.1, NM_001271282.3, NM_001291628.2 and 1 more transcripts).
Identifiers: ClinVar variation 1574027 (VCV001574027.10), dbSNP rs2140206572, ClinGen allele CA487845854.